The following is an entry in ClinVar:

NM_001394372.1(BICRA):c.1214_1215insT (p.Gln407fs)

Gene: BICRA (BRD4 interacting chromatin remodeling complex associated protein; plus strand). Cytogenetic location: 19q13.33.
Variant type: Insertion.
Coding change: c.1214_1215insT on transcript NM_001394372.1 (MANE Select); coding-DNA positions 1214 to 1215, T inserted.
Protein change: p.Gln407fs; shifts the reading frame from glutamine 407.
Molecular consequence: frameshift variant.
Genome position: GRCh38 VCF-style: chr19-47680384-C-CT. GRCh37 (hg19) VCF-style: chr19-48183641-C-CT.
Other names: c.1214_1215insT, p.Gln407fs (NM_015711.3); short protein forms Q407fs.
Identifiers: ClinVar variation 2692500 (VCV002692500.1), dbSNP rs2514109782, ClinGen allele CA2697556637.
Genomic context (GRCh38, chr19:47,680,384, plus strand): 5'-GGGCGCTCCCGCAGCAGCCCAAGGCCCCGCAGAACCTGACGTTCATGGCGGCGGGGAAGG[C>CT]GGGCCAGAACGTGGTGCTGTCGGGCTTCCCCGCGCCTGCGCTGCAAGCGAACGTCTTCAA-3'

ClinVar aggregate classification (germline): Pathogenic (1 of 4 stars; one submission).

Conditions:
Coffin-Siris syndrome 12. Identifiers: MedGen C5444111, MONDO:0025699, OMIM 619325.

Submission:

Greenwood Genetic Center Diagnostic Laboratories, Greenwood Genetic Center
Classification: Pathogenic for Coffin-Siris syndrome 12. Last evaluated: 2023-12-12. Review status: criteria provided, single submitter. Criteria: ACMG Guidelines, 2015. Collection method: clinical testing. Allele origin: germline. Affected: yes.
Comment: PVS1, PM2, PM6